The following is an entry in ClinVar:

NM_006734.4(HIVEP2):c.5188-1del

Gene: HIVEP2 (HIVEP zinc finger 2; minus strand). Cytogenetic location: 6q24.2.
Variant type: Deletion.
Coding change: c.5188-1del on transcript NM_006734.4 (MANE Select); the canonical splice acceptor site of the intron before coding-DNA position 5188, one base deleted (G; older notation c.5188-1delG).
Molecular consequence: splice acceptor variant.
Genome position (GRCh38, 1-based): chr6:142,768,537, C deleted on the plus strand (G on the coding strand, the reverse complement: HIVEP2 is on the minus strand). VCF-style (leftmost placement, unchanged base first): chr6-142768536-TC-T. GRCh37 (hg19) VCF-style: chr6-143089673-TC-T.
Identifiers: ClinVar variation 2572221 (VCV002572221.1), dbSNP rs2482811651, ClinGen allele CA2580615787.
Genomic context (GRCh38, chr6:142,768,536, plus strand): 5'-TATTTCCCACTAGTTTCCTTTCTAGTTTGCTGCCAAATAAAAAGGACGCATCAGGTTTCA[TC>T]TGTAAGACAAGAAGAGAGAATCATTTCACATGCTTTCTCCAAGACACAGGAGCCCCTATG-3'

ClinVar aggregate classification (germline): Likely pathogenic (1 of 4 stars; one submission).

Conditions:
Intellectual developmental disorder, autosomal dominant 43. Also called: Intellectual disability, autosomal dominant 43. Identifiers: MedGen C4707429, MONDO:0014858, OMIM 616977.

Submission:

Greenwood Genetic Center Diagnostic Laboratories, Greenwood Genetic Center
Classification: Likely pathogenic for Intellectual developmental disorder, autosomal dominant 43. Last evaluated: 2023-05-16. Review status: criteria provided, single submitter. Criteria: ACMG Guidelines, 2015. Collection method: clinical testing. Allele origin: germline. Affected: yes.
Comment: PVS1, PM2